The following is an entry in ClinVar:

ClinVar aggregate classification (germline): Benign/Likely benign. Review status: criteria provided, multiple submitters, no conflicts (2 of 4 stars). 3 submissions from 3 submitters: Benign (2); Likely benign (1). Last evaluated 2024-11-01.

Allele frequency attached by ClinVar (database versions not stated): gnomAD exomes 0.00029 and 0.00073; ExAC 0.00144; gnomAD 0.00313 and 0.00336; ESP Exome Variant Server 0.00328; TOPMed 0.00355; 1000 Genomes Project 0.00459; 1000 Genomes Project 30x 0.00578.
gnomAD v4.1: 908 of 1,609,450 alleles (0.056%); highest among the groups gnomAD compares: African/African-American, 1.1%; 5 homozygotes.

Submissions (3):

CeGaT Center for Human Genetics Tuebingen
Classification: Likely benign. Last evaluated: 2024-11-01. Review status: criteria provided, single submitter. Criteria: CeGaT Center For Human Genetics Tuebingen Variant Classification Criteria Version 2. Collection method: clinical testing. Allele origin: germline. Affected: yes. Observed: 1 variant allele.
Comment: TNRC6B: BP4, BS1

Labcorp Genetics (formerly Invitae), Labcorp
Classification: Benign. Last evaluated: 2019-12-31. Review status: criteria provided, single submitter. Criteria: Invitae Variant Classification Sherloc (09022015). Collection method: clinical testing. Allele origin: germline.

Breakthrough Genomics
Classification: Benign. Review status: criteria provided, single submitter. Criteria: ACMG Guidelines, 2015. Collection method: not provided. Allele origin: germline. Inheritance: Autosomal dominant inheritance. Affected: yes.

NM_001162501.2(TNRC6B):c.3019G>A (p.Ala1007Thr)

Gene: TNRC6B (trinucleotide repeat containing adaptor 6B; plus strand). Cytogenetic location: 22q13.1.
Variant type: single nucleotide variant.
Coding change: c.3019G>A on transcript NM_001162501.2 (MANE Select); coding-DNA position 3019, G replaced by A.
Protein change: p.Ala1007Thr; replaces alanine 1007 with threonine.
Molecular consequence: missense variant.
Genome position (GRCh38, 1-based): chr22:40,273,478, G>A. VCF-style: chr22-40273478-G-A. GRCh37 (hg19) VCF-style: chr22-40669482-G-A.
Other names: c.778G>A, p.Ala260Thr (NM_001024843.2); c.2860G>A, p.Ala954Thr (NM_015088.3); short protein forms A1007T, A260T, A954T.
Identifiers: ClinVar variation 722166 (VCV000722166.18), dbSNP rs61745473, ClinGen allele CA10246956.